The following is an entry in ClinVar:

NM_201550.4(LRRC10):c.241_243del (p.Ala81del)

Gene: LRRC10 (leucine rich repeat containing 10; minus strand). Cytogenetic location: 12q15.
Variant type: Deletion.
Coding change: c.241_243del on transcript NM_201550.4 (MANE Select); coding-DNA positions 241 to 243, 3 bases deleted (GCC; older notation c.241_243delGCC).
Protein change: p.Ala81del; deletes alanine 81.
Molecular consequence: inframe deletion.
Genome position (GRCh38, 1-based): chr12:69,610,596-69,610,598, GGC deleted on the plus strand (GCC on the coding strand, the reverse complement: LRRC10 is on the minus strand). VCF-style (leftmost placement, unchanged base first): chr12-69610595-AGGC-A. GRCh37 (hg19) VCF-style: chr12-70004375-AGGC-A.
Other names: short protein forms A81del.
Identifiers: ClinVar variation 567940 (VCV000567940.9), dbSNP rs751444931, ClinGen allele CA6681100.
Genomic context (GRCh38, chr12:69,610,595, plus strand): 5'-TGCAGAGCTGTTTCAAGGTGCACACCACCTGGGGCAGAGCCTTGAAGTTGTTGAAATCCA[AGGC>A]CAGAATCTGCAGGTTCTGTAGCTGCCCCAGCTCCGGAGGCAGGCTATTGAGGTGGTTGTC-3'

ClinVar aggregate classification (germline): Uncertain significance. Review status: criteria provided, multiple submitters, no conflicts (2 of 4 stars). 2 submissions from 2 submitters: Uncertain significance (2). Last evaluated 2023-08-29.

Allele frequency attached by ClinVar (database versions not stated): TOPMed below 0.00001; gnomAD 0.00001; ExAC 0.00002; gnomAD exomes 0.00002.

Submissions (2):

Labcorp Genetics (formerly Invitae), Labcorp
Classification: Uncertain significance. Last evaluated: 2023-08-29. Review status: criteria provided, single submitter. Criteria: Invitae Variant Classification Sherloc (09022015). Collection method: clinical testing. Allele origin: germline.
Comment: This variant, c.241_243del, results in the deletion of 1 amino acid(s) of the LRRC10 protein (p.Ala81del), but otherwise preserves the integrity of the reading frame. This variant is present in population databases (rs751444931, gnomAD 0.004%). This variant has not been reported in the literature in individuals affected with LRRC10-related conditions. ClinVar contains an entry for this variant (Variation ID: 567940). Experimental studies and prediction algorithms are not available or were not evaluated, and the functional significance of this variant is currently unknown. In summary, the available evidence is currently insufficient to determine the role of this variant in disease. Therefore, it has been classified as a Variant of Uncertain Significance.

Blueprint Genetics
Classification: Uncertain significance. Last evaluated: 2022-01-31. Review status: criteria provided, single submitter. Criteria: ACMG Guidelines, 2015. Collection method: clinical testing. Allele origin: germline.